The following is an entry in ClinVar:

NM_020433.5(JPH2):c.1726C>T (p.Pro576Ser)

Gene: JPH2 (junctophilin 2; minus strand). Cytogenetic location: 20q13.12.
Variant type: single nucleotide variant.
Coding change: c.1726C>T on transcript NM_020433.5 (MANE Select); coding-DNA position 1726, C replaced by T.
Protein change: p.Pro576Ser; replaces proline 576 with serine.
Molecular consequence: missense variant.
Genome position (GRCh38, 1-based): chr20:44,115,949, G>A on the plus strand (C>T on the coding strand, the complement: JPH2 is on the minus strand). VCF-style: chr20-44115949-G-A. GRCh37 (hg19) VCF-style: chr20-42744589-G-A.
Other names: short protein forms P576S.
Identifiers: ClinVar variation 2202757 (VCV002202757.5), dbSNP rs956983036, ClinGen allele CA314642535.

ClinVar aggregate classification (germline): Conflicting classifications of pathogenicity. Review status: criteria provided, conflicting classifications (1 of 4 stars). 2 submissions from 2 submitters: Uncertain significance (1); Likely benign (1). Last evaluated 2025-10-18.

Conditions:
Cardiovascular phenotype. Identifiers: MedGen CN230736.
Hypertrophic cardiomyopathy. Also called: HYPERTROPHIC MYOCARDIOPATHY. Identifiers: Orphanet 217569, MedGen C0007194, MeSH D002312, MONDO:0005045, HP:0001639.

gnomAD v4.1: 1 of 1,568,586 alleles (0.000064%); highest among the groups gnomAD compares: Non-Finnish European, 0.000086%; no homozygotes.

Submissions (2):

Labcorp Genetics (formerly Invitae), Labcorp
Classification: Uncertain significance for Hypertrophic cardiomyopathy. Last evaluated: 2025-10-18. Review status: criteria provided, single submitter. Criteria: Invitae Variant Classification Sherloc (09022015). Collection method: clinical testing. Allele origin: germline.
Comment: This sequence change replaces proline, which is neutral and non-polar, with serine, which is neutral and polar, at codon 576 of the JPH2 protein (p.Pro576Ser). The frequency data for this variant in the population databases is considered unreliable, as metrics indicate poor data quality at this position in the gnomAD database. This variant has not been reported in the literature in individuals affected with JPH2-related conditions. ClinVar contains an entry for this variant (Variation ID: 2202757). An algorithm developed to predict the effect of missense changes on protein structure and function (PolyPhen-2) suggests that this variant is likely to be tolerated. In summary, the available evidence is currently insufficient to determine the role of this variant in disease. Therefore, it has been classified as a Variant of Uncertain Significance.

Ambry Genetics
Classification: Likely benign for Cardiovascular phenotype. Last evaluated: 2024-04-24. Review status: criteria provided, single submitter. Criteria: Ambry Variant Classification Scheme 2023. Collection method: clinical testing. Allele origin: germline.